The following is an entry in ClinVar:

ClinVar aggregate classification (germline): Likely benign (0 of 4 stars; one submission).

Conditions:
CYP27A1-related disorder. Also called: CYP27A1-related condition.

Submission:

PreventionGenetics, part of Exact Sciences
Classification: Likely benign for CYP27A1-related condition. Last evaluated: 2024-02-14. Review status: no assertion criteria provided. Collection method: clinical testing. Allele origin: germline.
Comment: This variant is classified as likely benign based on ACMG/AMP sequence variant interpretation guidelines (Richards et al. 2015 PMID: 25741868, with internal and published modifications).

NM_000784.4(CYP27A1):c.798T>G (p.Pro266=)

Gene: CYP27A1 (cytochrome P450 family 27 subfamily A member 1; plus strand). Cytogenetic location: 2q35.
Variant type: single nucleotide variant.
Coding change: c.798T>G on transcript NM_000784.4 (MANE Select); coding-DNA position 798, T replaced by G.
Protein change: p.Pro266=; no amino-acid change (proline 266 retained).
Molecular consequence: synonymous variant.
Genome position (GRCh38, 1-based): chr2:218,812,703, T>G. VCF-style: chr2-218812703-T-G. GRCh37 (hg19) VCF-style: chr2-219677426-T-G.
Identifiers: ClinVar variation 3061148 (VCV003061148.2), dbSNP rs1575206137, ClinGen allele CA431414531.